The following is an entry in ClinVar:

ClinVar aggregate classification (germline): Uncertain significance (1 of 4 stars; one submission).

Conditions:
Left ventricular noncompaction 8 (LVNC8). Identifiers: Orphanet 154, Orphanet 54260, MedGen C3809288, MONDO:0014152, OMIM 615373.

Allele frequency attached by ClinVar (database versions not stated): gnomAD exomes below 0.00001; ExAC 0.00001.
gnomAD v4.1: 4 of 1,613,602 alleles (0.00025%); highest among the groups gnomAD compares: Non-Finnish European, 0.00034%; no homozygotes.

Submission:

Labcorp Genetics (formerly Invitae), Labcorp
Classification: Uncertain significance for Left ventricular noncompaction 8. Last evaluated: 2023-08-31. Review status: criteria provided, single submitter. Criteria: Invitae Variant Classification Sherloc (09022015). Collection method: clinical testing. Allele origin: germline.
Comment: In summary, the available evidence is currently insufficient to determine the role of this variant in disease. Therefore, it has been classified as a Variant of Uncertain Significance. An algorithm developed to predict the effect of missense changes on protein structure and function (PolyPhen-2) suggests that this variant is likely to be tolerated. This variant has not been reported in the literature in individuals affected with PRDM16-related conditions. This variant is present in population databases (rs759570043, gnomAD 0.0009%). This sequence change replaces cysteine, which is neutral and slightly polar, with arginine, which is basic and polar, at codon 311 of the PRDM16 protein (p.Cys311Arg).

NM_022114.4(PRDM16):c.931T>C (p.Cys311Arg)

Gene: PRDM16 (PR/SET domain 16; plus strand). Cytogenetic location: 1p36.32.
Variant type: single nucleotide variant.
Coding change: c.931T>C on transcript NM_022114.4 (MANE Select); coding-DNA position 931, T replaced by C.
Protein change: p.Cys311Arg; replaces cysteine 311 with arginine.
Molecular consequence: missense variant.
Genome position (GRCh38, 1-based): chr1:3,404,785, T>C. VCF-style: chr1-3404785-T-C. GRCh37 (hg19) VCF-style: chr1-3321349-T-C.
Other names: c.931T>C, p.Cys311Arg (NM_199454.3); short protein forms C311R.
Identifiers: ClinVar variation 2971432 (VCV002971432.3), dbSNP rs759570043, ClinGen allele CA544034.